The following is an entry in ClinVar:

NM_152328.5(ADSS1):c.1219C>T (p.Pro407Ser)

Gene: ADSS1 (adenylosuccinate synthase 1; plus strand). Cytogenetic location: 14q32.33.
Variant type: single nucleotide variant.
Coding change: c.1219C>T on transcript NM_152328.5 (MANE Select); coding-DNA position 1219, C replaced by T.
Protein change: p.Pro407Ser; replaces proline 407 with serine.
Molecular consequence: missense variant.
Genome position (GRCh38, 1-based): chr14:104,746,283, C>T. VCF-style: chr14-104746283-C-T. GRCh37 (hg19) VCF-style: chr14-105212620-C-T.
Other names: c.604C>T, p.Pro202Ser (NM_001320424.1); c.1348C>T, p.Pro450Ser (NM_199165.2); short protein forms P202S, P407S, P450S.
Identifiers: ClinVar variation 1900368 (VCV001900368.2), dbSNP rs758962769, ClinGen allele CA7374066.

ClinVar aggregate classification (germline): Uncertain significance (1 of 4 stars; one submission).

Allele frequency attached by ClinVar (database versions not stated): TOPMed below 0.00001; ExAC 0.00001; gnomAD exomes 0.00001.

Submission:

Labcorp Genetics (formerly Invitae), Labcorp
Classification: Uncertain significance. Last evaluated: 2022-05-16. Review status: criteria provided, single submitter. Criteria: Invitae Variant Classification Sherloc (09022015). Collection method: clinical testing. Allele origin: germline.
Comment: This sequence change replaces proline, which is neutral and non-polar, with serine, which is neutral and polar, at codon 450 of the ADSSL1 protein (p.Pro450Ser). This variant is present in population databases (rs758962769, gnomAD 0.002%). This variant has not been reported in the literature in individuals affected with ADSSL1-related conditions. Algorithms developed to predict the effect of missense changes on protein structure and function are either unavailable or do not agree on the potential impact of this missense change (SIFT: "Not Available"; PolyPhen-2: "Probably Damaging"; Align-GVGD: "Not Available"). In summary, the available evidence is currently insufficient to determine the role of this variant in disease. Therefore, it has been classified as a Variant of Uncertain Significance.